The following is an entry in ClinVar:

NM_001903.5(CTNNA1):c.212A>C (p.Asn71Thr)

Gene: CTNNA1 (catenin alpha 1; plus strand). Cytogenetic location: 5q31.2.
Variant type: single nucleotide variant.
Coding change: c.212A>C on transcript NM_001903.5 (MANE Select); coding-DNA position 212, A replaced by C.
Protein change: p.Asn71Thr; replaces asparagine 71 with threonine.
Molecular consequence: missense variant. On other transcripts: intron variant (2).
Genome position (GRCh38, 1-based): chr5:138,783,283, A>C. VCF-style: chr5-138783283-A-C. GRCh37 (hg19) VCF-style: chr5-138118972-A-C.
Other names: c.212A>C, p.Asn71Thr (NM_001290307.3, NM_001323982.2, NM_001323983.1 and 3 more transcripts); c.-6+11A>C (NM_001290310.3); c.-9+1254A>C (NM_001290309.3); c.212A>C (NM_001903.2); short protein forms N71T.
Identifiers: ClinVar variation 853290 (VCV000853290.8), dbSNP rs1755335758, ClinGen allele CA361477483.

ClinVar aggregate classification (germline): Uncertain significance. Review status: criteria provided, multiple submitters, no conflicts (2 of 4 stars). 2 submissions from 2 submitters: Uncertain significance (2). Last evaluated 2025-05-09.

Conditions:
Hereditary cancer-predisposing syndrome. Also called: Neoplastic Syndromes, Hereditary; Hereditary Cancer Syndrome; Tumor predisposition; Hereditary neoplastic syndrome. Identifiers: Orphanet 140162, MedGen C0027672, MeSH D009386, MONDO:0015356.

Allele frequency attached by ClinVar (database versions not stated): gnomAD exomes below 0.00001.
gnomAD v4.1: 1 of 1,614,154 alleles (0.000062%); highest among the groups gnomAD compares: Admixed American, 0.0017%; no homozygotes.

Submissions (2):

Ambry Genetics
Classification: Uncertain significance for Hereditary cancer-predisposing syndrome. Last evaluated: 2025-05-09. Review status: criteria provided, single submitter. Criteria: Ambry Variant Classification Scheme 2023. Collection method: clinical testing. Allele origin: germline.
Comment: The p.N71T variant (also known as c.212A>C), located in coding exon 2 of the CTNNA1 gene, results from an A to C substitution at nucleotide position 212. The asparagine at codon 71 is replaced by threonine, an amino acid with similar properties. This amino acid position is conserved. In addition, this alteration is predicted to be tolerated by in silico analysis. Based on the available evidence, the clinical significance of this variant remains unclear.

Labcorp Genetics (formerly Invitae), Labcorp
Classification: Uncertain significance. Last evaluated: 2022-10-30. Review status: criteria provided, single submitter. Criteria: Invitae Variant Classification Sherloc (09022015). Collection method: clinical testing. Allele origin: germline.
Comment: In summary, the available evidence is currently insufficient to determine the role of this variant in disease. Therefore, it has been classified as a Variant of Uncertain Significance. Advanced modeling of protein sequence and biophysical properties (such as structural, functional, and spatial information, amino acid conservation, physicochemical variation, residue mobility, and thermodynamic stability) performed at Invitae indicates that this missense variant is not expected to disrupt CTNNA1 protein function. ClinVar contains an entry for this variant (Variation ID: 853290). This variant has not been reported in the literature in individuals affected with CTNNA1-related conditions. This variant is not present in population databases (gnomAD no frequency). This sequence change replaces asparagine, which is neutral and polar, with threonine, which is neutral and polar, at codon 71 of the CTNNA1 protein (p.Asn71Thr).